The following is an entry in ClinVar:

NM_000540.3(RYR1):c.11922G>C (p.Gly3974=)

Gene: RYR1 (ryanodine receptor 1; plus strand). Cytogenetic location: 19q13.2.
Variant type: single nucleotide variant.
Coding change: c.11922G>C on transcript NM_000540.3 (MANE Select); coding-DNA position 11922, G replaced by C.
Protein change: p.Gly3974=; no amino-acid change (glycine 3974 retained).
Molecular consequence: synonymous variant.
Genome position (GRCh38, 1-based): chr19:38,543,785, G>C. VCF-style: chr19-38543785-G-C. GRCh37 (hg19) VCF-style: chr19-39034425-G-C.
Other names: c.11907G>C, p.Gly3969= (NM_001042723.2).
Identifiers: ClinVar variation 1136554 (VCV001136554.10), dbSNP rs62119053, ClinGen allele CA507242591.

ClinVar aggregate classification (germline): Likely benign. Review status: criteria provided, multiple submitters, no conflicts (2 of 4 stars). 2 submissions from 2 submitters: Likely benign (2). Last evaluated 2025-12-08.

Conditions:
RYR1-related disorder. Also called: RYR1-related condition; RYR1-related disorders. Identifiers: MedGen CN239331.
Malignant hyperthermia, susceptibility to, 1 (MHS1). Also called: RYR1-Related Malignant Hyperthermia Susceptibility; Malignant hyperthermia suceptibility 1; Anesthesia related hyperthermia; Malignant hyperpyrexia; Fulminating hyperpyrexia; Pharmacogenic myopathy. Identifiers: Orphanet 423, MedGen C2930980, MONDO:0007783, OMIM 145600.

Allele frequency attached by ClinVar (database versions not stated): TOPMed below 0.00001.

Submissions (2):

Labcorp Genetics (formerly Invitae), Labcorp
Classification: Likely benign for RYR1-related disorder. Last evaluated: 2025-12-08. Review status: criteria provided, single submitter. Criteria: Invitae Variant Classification Sherloc (09022015). Collection method: clinical testing. Allele origin: germline.

All of Us Research Program, National Institutes of Health
Classification: Likely benign for Malignant hyperthermia, susceptibility to, 1. Last evaluated: 2024-02-05. Review status: criteria provided, single submitter. Criteria: ACMG Guidelines, 2015. Collection method: clinical testing. Allele origin: germline. Inheritance: Autosomal dominant inheritance. Observed: 1 variant allele, 1 heterozygote.
Comment: This study involves interpretation of variants in research participants for the purpose of population health screening. Participant phenotype was not available at the time of variant classification. Additional details can be found in publication PMID: 35346344, PMCID: PMC8962531